The following is an entry in ClinVar:

ClinVar aggregate classification (germline): Likely pathogenic (1 of 4 stars; one submission).

Conditions:
LAMA2-related muscular dystrophy (LAMA2-RD). Also called: Laminin alpha 2-related dystrophy. Identifiers: MedGen C5679788, MONDO:0100228.

Submission:

Labcorp Genetics (formerly Invitae), Labcorp
Classification: Likely pathogenic for LAMA2-related muscular dystrophy. Last evaluated: 2022-09-10. Review status: criteria provided, single submitter. Criteria: Invitae Variant Classification Sherloc (09022015). Collection method: clinical testing. Allele origin: germline.
Comment: In summary, the currently available evidence indicates that the variant is pathogenic, but additional data are needed to prove that conclusively. Therefore, this variant has been classified as Likely Pathogenic. This variant has not been reported in the literature in individuals affected with LAMA2-related conditions. This variant results in a copy number gain of the genomic region encompassing exon(s) 18-34 of the LAMA2 gene. While the exact position of this variant cannot be determined from the data, sub-genic copy number gains are generally in tandem (PMID: 25640679). This variant is predicted to be out-of-frame, and may result in an absent or disrupted protein product. Loss-of-function variants in LAMA2 are known to be pathogenic (PMID: 18700894, 32904964).

Literature cited by the submitters: PubMed 25640679; PubMed 18700894; PubMed 32904964.

NC_000006.11:g.(?_129601196)_(129691145_?)dup

Gene: LAMA2 (laminin subunit alpha 2; plus strand). Cytogenetic location: 6q22.33.
Variant type: Duplication.
Identifiers: ClinVar variation 2423065 (VCV002423065.5).